The following is an entry in ClinVar:

ClinVar aggregate classification (germline): Uncertain significance. Review status: criteria provided, multiple submitters, no conflicts (2 of 4 stars). 2 submissions from 2 submitters: Uncertain significance (2). Last evaluated 2023-12-18.

Allele frequency attached by ClinVar (database versions not stated): gnomAD 0.00001; TOPMed 0.00002; ExAC 0.00005; ESP Exome Variant Server 0.00008.
gnomAD v4.1: 41 of 1,612,530 alleles (0.0025%); highest among the groups gnomAD compares: East Asian, 0.0067%; no homozygotes.

Submissions (2):

Blueprint Genetics
Classification: Uncertain significance. Last evaluated: 2023-12-18. Review status: criteria provided, single submitter. Criteria: ACMG Guidelines, 2015. Collection method: clinical testing. Allele origin: germline.

GeneDx
Classification: Uncertain significance. Last evaluated: 2022-11-15. Review status: criteria provided, single submitter. Criteria: GeneDx Variant Classification Process June 2021. Collection method: clinical testing. Allele origin: germline. Affected: yes.
Comment: In silico analysis supports that this missense variant does not alter protein structure/function; Has not been previously published as pathogenic or benign to our knowledge

NM_194248.3(OTOF):c.904G>A (p.Val302Ile)

Gene: OTOF (otoferlin; minus strand). Cytogenetic location: 2p23.3.
Variant type: single nucleotide variant.
Coding change: c.904G>A on transcript NM_194248.3 (MANE Select); coding-DNA position 904, G replaced by A.
Protein change: p.Val302Ile; replaces valine 302 with isoleucine.
Molecular consequence: missense variant.
Genome position (GRCh38, 1-based): chr2:26,489,734, C>T on the plus strand (G>A on the coding strand, the complement: OTOF is on the minus strand). VCF-style: chr2-26489734-C-T. GRCh37 (hg19) VCF-style: chr2-26712602-C-T.
Other names: c.904G>A, p.Val302Ile (NM_001287489.2); short protein forms V302I.
Identifiers: ClinVar variation 2502106 (VCV002502106.2), dbSNP rs147435768, ClinGen allele CA1564456.